The following is an entry in ClinVar:

NM_000059.4(BRCA2):c.6239T>G (p.Leu2080Ter)

Gene: BRCA2 (BRCA2 DNA repair associated; plus strand). Cytogenetic location: 13q13.1.
Variant type: single nucleotide variant.
Coding change: c.6239T>G on transcript NM_000059.4 (MANE Select); coding-DNA position 6239, T replaced by G.
Protein change: p.Leu2080Ter; replaces leucine 2080 with a stop codon.
Molecular consequence: nonsense.
Genome position (GRCh38, 1-based): chr13:32,340,594, T>G. VCF-style: chr13-32340594-T-G. GRCh37 (hg19) VCF-style: chr13-32914731-T-G.
Other names: short protein forms L2080*.
Identifiers: ClinVar variation 52039 (VCV000052039.10), dbSNP rs80358864, ClinGen allele CA023781.

ClinVar aggregate classification (germline): Pathogenic. Review status: reviewed by expert panel (3 of 4 stars). 4 submissions from 4 submitters: Pathogenic (1). 3 of the submissions do not count toward it. Last evaluated 2016-09-08.

Conditions:
Hereditary breast ovarian cancer syndrome. Also called: Hereditary breast and ovarian cancer syndrome; Hereditary breast and ovarian cancer; Hereditary breast and ovarian cancer syndrome (HBOC); Breast and ovarian cancer; Hereditary breast and/or ovarian cancer syndrome; BRCA1- and BRCA2-Associated Hereditary Breast and Ovarian Cancer. Identifiers: Orphanet 145, MedGen C0677776, MeSH D061325, MONDO:0003582. Disease mechanism: loss of function.
Breast-ovarian cancer, familial, susceptibility to, 2 (BROVCA2). Also called: BRCA2 Hereditary Breast and Ovarian Cancer. Identifiers: Orphanet 145, MedGen C2675520, MONDO:0012933, OMIM 612555. Disease mechanism: loss of function.

Submissions (4):

Evidence-based Network for the Interpretation of Germline Mutant Alleles (ENIGMA)
Classification: Pathogenic for Breast-ovarian cancer, familial, susceptibility to, 2. Last evaluated: 2016-09-08. Review status: reviewed by expert panel. Criteria: ENIGMA BRCA1/2 Classification Criteria (2015). Collection method: curation. Allele origin: germline.
Comment: Variant allele predicted to encode a truncated non-functional protein.

Labcorp Genetics (formerly Invitae), Labcorp
Classification: Pathogenic for Hereditary breast ovarian cancer syndrome. Last evaluated: 2022-03-23. Review status: criteria provided, single submitter. Criteria: Invitae Variant Classification Sherloc (09022015). Collection method: clinical testing. Allele origin: germline. Not counted in ClinVar's aggregate classification.
Comment: For these reasons, this variant has been classified as Pathogenic. ClinVar contains an entry for this variant (Variation ID: 52039). This premature translational stop signal has been observed in individual(s) with breast and/or ovarian cancer (PMID: 22798144, 30702160). This variant is not present in population databases (gnomAD no frequency). This sequence change creates a premature translational stop signal (p.Leu2080*) in the BRCA2 gene. It is expected to result in an absent or disrupted protein product. Loss-of-function variants in BRCA2 are known to be pathogenic (PMID: 20104584).

Laboratory for Molecular Medicine, Mass General Brigham Personalized Medicine
Classification: Pathogenic for Hereditary breast ovarian cancer syndrome. Last evaluated: 2017-05-12. Review status: criteria provided, single submitter. Criteria: ACMG Guidelines, 2015. Collection method: clinical testing. Allele origin: germline. Inheritance: Autosomal dominant inheritance. Not counted in ClinVar's aggregate classification.
Comment: The p.Leu2080X variant in BRCA2 has been reported in at least 1 individual with BRCA2-associated cancer (Choi 2005, Kim 2012, Breast Cancer Information Core (BIC) database). It was absent from large control studies. This variant creates a premature termination codon at position 2080, which is predicted to lead to a truncated or absent protein. Heterozygous loss of function of the BRCA2 gene is an established disease mechanism in HBOC. Furthermore, the p.Leu2080X variant was classified as Pathogenic on Sep 8, 2016 by the ClinGen-approved ENIGMA expert panel (ClinVar SCV000301007.2). In summary, this variant meets criteria to be classified as pathogenic for HBOC in an autosomal dominant manner.

Breast Cancer Information Core (BIC) (BRCA2)
Classification: Pathogenic for Breast-ovarian cancer, familial 2. Last evaluated: 2002-06-20. Review status: no assertion criteria provided. Collection method: clinical testing. Allele origin: germline. Affected: yes. Observed: 1 variant allele. Not counted in ClinVar's aggregate classification.

Literature cited by the submitters: PubMed 22798144 (cited by Labcorp Genetics (formerly Invitae), Labcorp and Laboratory for Molecular Medicine, Mass General Brigham Personalized Medicine); PubMed 30702160 (cited by Labcorp Genetics (formerly Invitae), Labcorp); PubMed 20104584 (cited by Labcorp Genetics (formerly Invitae), Labcorp); PubMed 15117986 (cited by Laboratory for Molecular Medicine, Mass General Brigham Personalized Medicine).